The following is an entry in ClinVar:

ClinVar aggregate classification (germline): Uncertain significance. Review status: criteria provided, multiple submitters, no conflicts (2 of 4 stars). 3 submissions from 3 submitters: Uncertain significance (3). Last evaluated 2024-11-15.

Conditions:
Cowden syndrome 7 (CWS7). Identifiers: Orphanet 201, MedGen C4225179, MONDO:0014802, OMIM 616858.
Inborn genetic diseases. Identifiers: MedGen C0950123, MeSH D030342.

Allele frequency attached by ClinVar (database versions not stated): gnomAD exomes 0.00001 and 0.00002; TOPMed 0.00002; ExAC 0.00001; gnomAD 0.00002.

Submissions (3):

Revvity Omics, Revvity
Classification: Uncertain significance. Last evaluated: 2024-11-15. Review status: criteria provided, single submitter. Criteria: ACMG Guidelines, 2015. Collection method: clinical testing. Allele origin: germline.

Ambry Genetics
Classification: Uncertain significance for Inborn genetic diseases. Last evaluated: 2024-08-07. Review status: criteria provided, single submitter. Criteria: Ambry Variant Classification Scheme 2023. Collection method: clinical testing. Allele origin: germline.

Laboratorio de Genetica e Diagnostico Molecular, Hospital Israelita Albert Einstein
Classification: Uncertain significance for Cowden syndrome 7. Last evaluated: 2021-10-14. Review status: criteria provided, single submitter. Criteria: ACMG Guidelines, 2015. Collection method: clinical testing. Allele origin: germline. Affected: yes.
Comment: ACMG classification criteria: PM2 moderate

NM_006363.6(SEC23B):c.286C>G (p.Pro96Ala)

Gene: SEC23B (SEC23 homolog B, COPII component; plus strand). Cytogenetic location: 20p11.23.
Variant type: single nucleotide variant.
Coding change: c.286C>G on transcript NM_006363.6 (MANE Select); coding-DNA position 286, C replaced by G.
Protein change: p.Pro96Ala; replaces proline 96 with alanine.
Molecular consequence: missense variant.
Genome position (GRCh38, 1-based): chr20:18,515,656, C>G. VCF-style: chr20-18515656-C-G. GRCh37 (hg19) VCF-style: chr20-18496300-C-G.
Other names: c.286C>G (NM_006363.4); c.286C>G, p.Pro96Ala (NM_001172745.3, NM_001172746.3, NM_032985.6 and 1 more transcripts); short protein forms P96A.
Identifiers: ClinVar variation 1683732 (VCV001683732.4), dbSNP rs756668484, ClinGen allele CA9777993.